The following is an entry in ClinVar:

NM_000426.4(LAMA2):c.5121C>T (p.Asp1707=)

Gene: LAMA2 (laminin subunit alpha 2; plus strand). Cytogenetic location: 6q22.33.
Variant type: single nucleotide variant.
Coding change: c.5121C>T on transcript NM_000426.4 (MANE Select); coding-DNA position 5121, C replaced by T.
Protein change: p.Asp1707=; no amino-acid change (aspartic acid 1707 retained).
Molecular consequence: synonymous variant.
Genome position (GRCh38, 1-based): chr6:129,391,540, C>T. VCF-style: chr6-129391540-C-T. GRCh37 (hg19) VCF-style: chr6-129712685-C-T.
Other names: c.5121C>T, p.Asp1707= (NM_001079823.2).
Identifiers: ClinVar variation 256074 (VCV000256074.37), dbSNP rs151199929, ClinGen allele CA3993783.

ClinVar aggregate classification (germline): Benign/Likely benign. Review status: criteria provided, multiple submitters, no conflicts (2 of 4 stars). 4 submissions from 4 submitters: Benign (1); Likely benign (3). Last evaluated 2025-10-27.

Conditions:
LAMA2-related muscular dystrophy (LAMA2-RD). Also called: Laminin alpha 2-related dystrophy. Identifiers: MedGen C5679788, MONDO:0100228.

Allele frequency attached by ClinVar (database versions not stated): gnomAD exomes 0.00005 and 0.00014; 1000 Genomes Project 30x 0.00016; 1000 Genomes Project 0.00020; ExAC 0.00025; gnomAD 0.00059 and 0.00064; TOPMed 0.00059; ESP Exome Variant Server 0.00108.
gnomAD v4.1: 167 of 1,613,694 alleles (0.01%); highest among the groups gnomAD compares: African/African-American, 0.17%; no homozygotes.

Submissions (4):

Labcorp Genetics (formerly Invitae), Labcorp
Classification: Benign for LAMA2-related muscular dystrophy. Last evaluated: 2025-10-27. Review status: criteria provided, single submitter. Criteria: Invitae Variant Classification Sherloc (09022015). Collection method: clinical testing. Allele origin: germline.

Blueprint Genetics
Classification: Likely benign. Last evaluated: 2024-08-12. Review status: criteria provided, single submitter. Criteria: ACMG Guidelines, 2015. Collection method: clinical testing. Allele origin: germline.

CeGaT Center for Human Genetics Tuebingen
Classification: Likely benign. Last evaluated: 2023-07-01. Review status: criteria provided, single submitter. Criteria: CeGaT Center For Human Genetics Tuebingen Variant Classification Criteria Version 2. Collection method: clinical testing. Allele origin: germline. Affected: yes. Observed: 2 variant alleles.
Comment: LAMA2: BP4, BP7

PreventionGenetics, part of Exact Sciences
Classification: Likely benign. Review status: criteria provided, single submitter. Criteria: ACMG Guidelines, 2015. Collection method: clinical testing. Allele origin: germline.